The following is an entry in ClinVar:

ClinVar aggregate classification (germline): Conflicting classifications of pathogenicity. Review status: criteria provided, conflicting classifications (1 of 4 stars). 3 submissions from 3 submitters: Uncertain significance (2); Likely benign (1). Last evaluated 2026-04-21.

Conditions:
FOXC1-related disorder. Also called: FOXC1-related condition.
Inborn genetic diseases. Identifiers: MedGen C0950123, MeSH D030342.
Axenfeld-Rieger syndrome type 3 (RIEG3). Also called: AXENFELD-RIEGER ANOMALY WITH CARDIAC DEFECTS AND/OR SENSORINEURAL HEARING LOSS. Identifiers: Orphanet 782, MedGen C2678503, MONDO:0011233, OMIM 602482.

Allele frequency attached by ClinVar (database versions not stated): gnomAD exomes 0.00012.

Submissions (3):

PreventionGenetics, part of Exact Sciences
Classification: Likely benign for FOXC1-related condition. Last evaluated: 2026-04-21. Review status: criteria provided, single submitter. Criteria: ACMG Guidelines, 2015. Collection method: clinical testing. Allele origin: germline.
Comment: This variant is classified as likely benign based on ACMG/AMP sequence variant interpretation guidelines (Richards et al. 2015 PMID: 25741868, with internal and published modifications).

Labcorp Genetics (formerly Invitae), Labcorp
Classification: Uncertain significance for Axenfeld-Rieger syndrome type 3. Last evaluated: 2025-12-17. Review status: criteria provided, single submitter. Criteria: Invitae Variant Classification Sherloc (09022015). Collection method: clinical testing. Allele origin: germline.
Comment: This sequence change replaces glycine, which is neutral and non-polar, with alanine, which is neutral and non-polar, at codon 468 of the FOXC1 protein (p.Gly468Ala). This variant is present in population databases (no rsID available, gnomAD 0.07%), and has an allele count higher than expected for a pathogenic variant. This variant has not been reported in the literature in individuals affected with FOXC1-related conditions. ClinVar contains an entry for this variant (Variation ID: 1524398). An algorithm developed to predict the effect of missense changes on protein structure and function (PolyPhen-2) suggests that this variant is likely to be disruptive. In summary, the available evidence is currently insufficient to determine the role of this variant in disease. Therefore, it has been classified as a Variant of Uncertain Significance.

Ambry Genetics
Classification: Uncertain significance for Inborn genetic diseases. Last evaluated: 2025-06-23. Review status: criteria provided, single submitter. Criteria: Ambry Variant Classification Scheme 2023. Collection method: clinical testing. Allele origin: germline.

NM_001453.3(FOXC1):c.1403G>C (p.Gly468Ala)

Gene: FOXC1 (forkhead box C1; plus strand). Cytogenetic location: 6p25.3.
Variant type: single nucleotide variant.
Coding change: c.1403G>C on transcript NM_001453.3 (MANE Select); coding-DNA position 1403, G replaced by C.
Protein change: p.Gly468Ala; replaces glycine 468 with alanine.
Molecular consequence: missense variant.
Genome position (GRCh38, 1-based): chr6:1,611,848, G>C. VCF-style: chr6-1611848-G-C. GRCh37 (hg19) VCF-style: chr6-1612083-G-C.
Other names: c.1403G>C (NM_001453.2); short protein forms G468A.
Identifiers: ClinVar variation 1524398 (VCV001524398.10), dbSNP rs919121619, ClinGen allele CA133391416.